The following is an entry in ClinVar:

ClinVar aggregate classification (germline): Likely pathogenic (1 of 4 stars; one submission).

Conditions:
Glycogen storage disease type III (GSD3). Also called: FORBES DISEASE; Cori disease. Identifiers: Orphanet 366, MedGen C0017922, MONDO:0009291, OMIM 232400.

Submission:

Natera, Inc.
Classification: Likely pathogenic for Glycogen storage disease type III. Last evaluated: 2024-08-22. Review status: criteria provided, single submitter. Criteria: Natera Variant Classification Schema (03/2026). Collection method: clinical testing. Allele origin: germline.
Comment: The c.3021del variant in AGL is a frameshift variant predicted to shift the reading frame beginning at codon 1007 and leads to a stop codon 5 codons downstream. This variant is expected to result in nonsense mediated decay, truncation, or a dysfunctional protein product. This variant is rare in the general population with a frequency below the threshold expected for the associated phenotype(s). Given the available evidence, this variant is classified as Likely Pathogenic.

NM_000642.3(AGL):c.3021del (p.Phe1007fs)

Gene: AGL (amylo-alpha-1,6-glucosidase and 4-alpha-glucanotransferase; plus strand). Cytogenetic location: 1p21.2.
Variant type: Deletion.
Coding change: c.3021del on transcript NM_000642.3 (MANE Select); coding-DNA position 3021, one base deleted (T; older notation c.3021delT).
Protein change: p.Phe1007fs; shifts the reading frame from phenylalanine 1007.
Molecular consequence: frameshift variant.
Genome position (GRCh38, 1-based): chr1:99,891,677, T deleted; the last of 3 consecutive T bases (chr1:99,891,675-99,891,677); deleting any one gives the same sequence. VCF-style (leftmost placement, unchanged base first): chr1-99891674-CT-C. GRCh37 (hg19) VCF-style: chr1-100357230-CT-C.
Other names: c.3021del, p.Phe1007fs (NM_000028.3, NM_000643.3, NM_000644.3 and 1 more transcripts); c.2973del, p.Phe991fs (NM_000646.3); c.3000del, p.Phe1000fs (NM_001425326.1); c.2820del, p.Phe940fs (NM_001425327.1); c.2817del, p.Phe939fs (NM_001425328.1); c.2682del, p.Phe894fs (NM_001425329.1); c.2643del, p.Phe881fs (NM_001425332.1); short protein forms F1000fs, F1007fs, F881fs, F894fs, F939fs, F940fs, F991fs.
Identifiers: ClinVar variation 4814442 (VCV004814442.1).